The following is an entry in ClinVar:

NM_005141.5(FGB):c.306+16delinsAGA

Gene: FGB (fibrinogen beta chain; plus strand). Cytogenetic location: 4q31.3.
Variant type: Indel.
Coding change: c.306+16delinsAGA on transcript NM_005141.5 (MANE Select); 16 bases into the intron after coding-DNA position 306, T replaced by AGA.
Molecular consequence: intron variant.
Genome position (GRCh38, 1-based): chr4:154,566,015, T replaced by AGA. VCF-style: chr4-154566015-T-AGA. GRCh37 (hg19) VCF-style: chr4-155487167-T-AGA.
Other names: c.165+157delinsAGA (NM_001184741.1); c.306+16delinsAGA (NM_001382761.1, NM_001382760.1, NM_001382765.1 and 4 more transcripts).
Identifiers: ClinVar variation 3069041 (VCV003069041.2), dbSNP rs374032772, ClinGen allele CA108750090.

ClinVar aggregate classification (germline): Likely benign (1 of 4 stars; one submission).

Submission:

Women's Health and Genetics/Laboratory Corporation of America, LabCorp
Classification: Likely benign. Last evaluated: 2024-02-13. Review status: criteria provided, single submitter. Criteria: LabCorp Variant Classification Summary - May 2015. Collection method: clinical testing. Allele origin: germline.
Comment: Variant summary: FGB c.306+16delinsAGA alters a non-conserved nucleotide located at a position not widely known to affect splicing. Consensus agreement among computation tools predict no significant impact on normal splicing. However, these predictions have yet to be confirmed by functional studies. The variant was absent in 276748 control chromosomes. The available data on variant occurrences in the general population are insufficient to allow any conclusion about variant significance. To our knowledge, no occurrence of c.306+16delinsAGA in individuals affected with Afibrinogenemia, Congenital and no experimental evidence demonstrating its impact on protein function have been reported. No submitters have cited clinical-significance assessments for this variant to ClinVar. Based on the evidence outlined above, the variant was classified as likely benign.